The following is an entry in ClinVar:

ClinVar aggregate classification (germline): Conflicting classifications of pathogenicity. Review status: criteria provided, conflicting classifications (1 of 4 stars). 3 submissions from 3 submitters: Uncertain significance (1); Likely benign (2). Last evaluated 2026-06-29.

Conditions:
Hereditary cancer-predisposing syndrome. Also called: Hereditary Cancer Syndrome; Tumor predisposition; Hereditary neoplastic syndrome; Neoplastic Syndromes, Hereditary. Identifiers: Orphanet 140162, MedGen C0027672, MeSH D009386, MONDO:0015356.
Hereditary breast ovarian cancer syndrome. Also called: Hereditary breast and/or ovarian cancer syndrome; Breast and ovarian cancer; BRCA1- and BRCA2-Associated Hereditary Breast and Ovarian Cancer; Hereditary breast and ovarian cancer syndrome (HBOC); Hereditary breast and ovarian cancer syndrome; Hereditary breast and ovarian cancer. Identifiers: Orphanet 145, MedGen C0677776, MeSH D061325, MONDO:0003582. Disease mechanism: loss of function.

Submissions (4):

Ambry Genetics
Classification: Likely benign for Hereditary cancer-predisposing syndrome. Last evaluated: 2026-06-29. Review status: criteria provided, single submitter. Criteria: Ambry Variant Classification Scheme 2023. Collection method: clinical testing. Allele origin: germline.

Women's Health and Genetics/Laboratory Corporation of America, LabCorp
Classification: Likely benign. Last evaluated: 2026-01-02. Review status: criteria provided, single submitter. Criteria: LabCorp Variant Classification Summary - May 2015. Collection method: clinical testing. Allele origin: germline.
Comment: Variant summary: BRCA1 c.5264C>T (p.Ser1755Phe) results in a non-conservative amino acid change in the encoded protein sequence. Algorithms developed to predict the effect of missense changes on protein structure and function are either unavailable or do not agree on the potential impact of this missense change. The variant was absent in 251494 control chromosomes. The available data on variant occurrences in the general population are insufficient to allow any conclusion about variant significance. To our knowledge, no occurrence of c.5264C>T in individuals affected with BRCA1-related conditions has been reported. At least one functional study reports experimental evidence evaluating an impact on protein function and showed no damaging effect of this variant on homology directed repair (HDR) activity (e.g. Findlay_2018). HDR assays qualify as a recognized gold standard on the basis of updated guidance provided by the ClinGen Sequence Variant Interpretation (SVI) working group. The following publication has been ascertained in the context of this evaluation (PMID: 30209399). ClinVar contains an entry for this variant (Variation ID: 531431). Based on the evidence outlined above, the variant was classified as likely benign.

Labcorp Genetics (formerly Invitae), Labcorp
Classification: Uncertain significance for Hereditary breast ovarian cancer syndrome. Last evaluated: 2024-04-23. Review status: criteria provided, single submitter. Criteria: Invitae Variant Classification Sherloc (09022015). Collection method: clinical testing. Allele origin: germline.
Comment: This sequence change replaces serine, which is neutral and polar, with phenylalanine, which is neutral and non-polar, at codon 1755 of the BRCA1 protein (p.Ser1755Phe). This variant is not present in population databases (gnomAD no frequency). This variant has not been reported in the literature in individuals affected with BRCA1-related conditions. ClinVar contains an entry for this variant (Variation ID: 531431). Advanced modeling performed at Invitae incorporating data from internal and/or published experimental studies (PMID: 30209399) indicates that this missense variant is not expected to disrupt BRCA1 function with a negative predictive value of 95%. In summary, the available evidence is currently insufficient to determine the role of this variant in disease. Therefore, it has been classified as a Variant of Uncertain Significance.

Brotman Baty Institute, University of Washington
No classification provided (evidence only). Condition: Breast-ovarian cancer, familial 1. Review status: no classification provided. Collection method: in vitro. Allele origin: not applicable. Functional consequence: functionally_normal. Not counted in ClinVar's aggregate classification.
ClinVar note: "not provided" was previously submitted as the classification for the variant. However, the classification appeared to be based only on an observation of functional data so it was converted to no classification on 2025-07-30.

Literature cited by the submitters: PubMed 30209399 (cited by 3 submitters).

NM_007294.4(BRCA1):c.5264C>T (p.Ser1755Phe)

Gene: BRCA1 (BRCA1 DNA repair associated; minus strand). Cytogenetic location: 17q21.31.
Variant type: single nucleotide variant.
Coding change: c.5264C>T on transcript NM_007294.4 (MANE Select); coding-DNA position 5264, C replaced by T.
Protein change: p.Ser1755Phe; replaces serine 1755 with phenylalanine.
Molecular consequence: missense variant. On other transcripts: non-coding transcript variant (1).
Genome position (GRCh38, 1-based): chr17:43,057,065, G>A on the plus strand (C>T on the coding strand, the complement: BRCA1 is on the minus strand). VCF-style: chr17-43057065-G-A. GRCh37 (hg19) VCF-style: chr17-41209082-G-A.
Other names: c.5186C>T, p.Ser1729Phe (NM_001407653.1, NM_001407654.1, NM_001407655.1 and 1 more transcripts); c.5183C>T, p.Ser1728Phe (NM_001407656.1, NM_001407657.1, NM_001407658.1); c.5180C>T, p.Ser1727Phe (NM_001407659.1, NM_001407660.1, NM_001407661.1 and 2 more transcripts); c.5138C>T, p.Ser1713Phe (NM_001407670.1, NM_001407671.1, NM_001407672.1 and 10 more transcripts); c.5120C>T, p.Ser1707Phe (NM_001407734.1, NM_001407735.1, NM_001407736.1 and 21 more transcripts); c.5057C>T, p.Ser1686Phe (NM_001407875.1, NM_001407874.1); c.5054C>T, p.Ser1685Phe (NM_001407879.1, NM_001407881.1, NM_001407882.1 and 5 more transcripts); c.5117C>T, p.Ser1706Phe (NM_001407838.1, NM_001407839.1, NM_001407841.1 and 12 more transcripts); and 72 more; short protein forms S1755F, S1708F, S651F, S1776F, S1683F, S1712F, S1727F, S1736F.
Identifiers: ClinVar variation 531431 (VCV000531431.16), dbSNP rs1555576858, ClinGen allele CA10591025.